The following is an entry in ClinVar:

NM_000051.4(ATM):c.84G>T (p.Glu28Asp)

Gene: ATM (ATM serine/threonine kinase; plus strand). Cytogenetic location: 11q22.3.
Variant type: single nucleotide variant.
Coding change: c.84G>T on transcript NM_000051.4 (MANE Select); coding-DNA position 84, G replaced by T.
Protein change: p.Glu28Asp; replaces glutamic acid 28 with aspartic acid.
Molecular consequence: missense variant.
Genome position (GRCh38, 1-based): chr11:108,227,787, G>T. VCF-style: chr11-108227787-G-T. GRCh37 (hg19) VCF-style: chr11-108098514-G-T.
Other names: c.84G>T, p.Glu28Asp (NM_001351834.2, NM_001351835.2, NM_001351836.2); short protein forms E28D.
Identifiers: ClinVar variation 1763650 (VCV001763650.2), dbSNP rs1591446775, ClinGen allele CA382519547.

ClinVar aggregate classification (germline): Uncertain significance (1 of 4 stars; one submission).

Conditions:
Hereditary cancer-predisposing syndrome. Also called: Neoplastic Syndromes, Hereditary; Tumor predisposition; Hereditary Cancer Syndrome; Hereditary neoplastic syndrome. Identifiers: Orphanet 140162, MedGen C0027672, MeSH D009386, MONDO:0015356.

Allele frequency attached by ClinVar (database versions not stated): gnomAD exomes below 0.00001.
gnomAD v4.1: 2 of 1,613,576 alleles (0.00012%); highest among the groups gnomAD compares: Non-Finnish European, 0.00017%; no homozygotes.

Submission:

Ambry Genetics
Classification: Uncertain significance for Hereditary cancer-predisposing syndrome. Last evaluated: 2022-10-11. Review status: criteria provided, single submitter. Criteria: Ambry Variant Classification Scheme 2023. Collection method: clinical testing. Allele origin: germline.
Comment: The p.E28D variant (also known as c.84G>T), located in coding exon 2 of the ATM gene, results from a G to T substitution at nucleotide position 84. The glutamic acid at codon 28 is replaced by aspartic acid, an amino acid with highly similar properties. This amino acid position is well conserved in available vertebrate species. In addition, this alteration is predicted to be tolerated by in silico analysis. Since supporting evidence is limited at this time, the clinical significance of this alteration remains unclear.